The following is an entry in ClinVar:

ClinVar aggregate classification (germline): Benign/Likely benign. Review status: criteria provided, multiple submitters, no conflicts (2 of 4 stars). 6 submissions from 6 submitters: Benign (2); Likely benign (4). Last evaluated 2026-01-27.

Conditions:
Hereditary cancer-predisposing syndrome. Also called: Hereditary neoplastic syndrome; Tumor predisposition; Neoplastic Syndromes, Hereditary; Hereditary Cancer Syndrome. Identifiers: Orphanet 140162, MedGen C0027672, MeSH D009386, MONDO:0015356.
Ataxia-telangiectasia syndrome (AT). Also called: LOUIS-BAR SYNDROME; ATAXIA-TELANGIECTASIA, COMPLEMENTATION GROUP A; ATAXIA-TELANGIECTASIA, FRESNO VARIANT; Ataxia-telangiectasia; Ataxia telangiectasia (A-T); Cerebello-oculocutaneous telangiectasia. Identifiers: Orphanet 100, MedGen C0004135, MONDO:0008840, OMIM 208900.
Familial cancer of breast. Also called: Hereditary breast cancer; BREAST CANCER, FAMILIAL; hereditary breast carcinoma. Identifiers: Orphanet 227535, MedGen C0346153, MONDO:0016419, OMIM 114480. Disease mechanism: loss of function.

Allele frequency attached by ClinVar (database versions not stated): gnomAD exomes below 0.00001 and 0.00001; ExAC 0.00001; gnomAD 0.00005; TOPMed 0.00006; ESP Exome Variant Server 0.00015.
gnomAD v4.1: 15 of 1,613,872 alleles (0.00093%); highest among the groups gnomAD compares: African/African-American, 0.02%; no homozygotes.

Submissions (6):

Labcorp Genetics (formerly Invitae), Labcorp
Classification: Likely benign for Ataxia-telangiectasia syndrome. Last evaluated: 2026-01-27. Review status: criteria provided, single submitter. Criteria: Invitae Variant Classification Sherloc (09022015). Collection method: clinical testing. Allele origin: germline.

Myriad Genetics, Inc.
Classification: Benign for Familial cancer of breast. Last evaluated: 2024-05-13. Review status: criteria provided, single submitter. Criteria: Myriad Autosomal Dominant, Autosomal Recessive and X-Linked Classification Criteria (2023). Collection method: clinical testing. Allele origin: unknown.
Comment: This variant is considered benign. This variant is a silent/synonymous amino acid change and it is not expected to impact splicing.

Women's Health and Genetics/Laboratory Corporation of America, LabCorp
Classification: Likely benign. Last evaluated: 2019-01-29. Review status: criteria provided, single submitter. Criteria: LabCorp Variant Classification Summary - May 2015. Collection method: clinical testing. Allele origin: germline.
Comment: Variant summary: ATM c.2967T>C alters a non-conserved nucleotide resulting in a synonymous change. 5/5 computational tools predict no significant impact on normal splicing. However, these predictions have yet to be confirmed by functional studies. The variant allele was found at a frequency of 1.4e-05 in 277100 control chromosomes in the gnomAD database (exclusively found in the African subpopulation). The available data on variant occurrences in the general population are insufficient to allow any conclusion about variant significance. In addition, the variant was also reported in 3 / 2559 African American women (i.e. with a frequency of 0.0012), who were older than 70 years of age, and never had cancer (in the FLOSSIES database). To our knowledge, no occurrence of c.2967T>C in individuals affected with Ataxia-Telangiectasia and no experimental evidence demonstrating its impact on protein function have been reported. Four clinical diagnostic laboratories have submitted clinical-significance assessments for this variant to ClinVar after 2014 without evidence for independent evaluation. All laboratories classified the variant as benign (1x) / likely benign (3x). Based on the evidence outlined above, the variant was classified as likely benign.

Ambry Genetics
Classification: Likely benign for Hereditary cancer-predisposing syndrome. Last evaluated: 2016-02-26. Review status: criteria provided, single submitter. Criteria: Ambry Variant Classification Scheme 2023. Collection method: clinical testing. Allele origin: germline.

Color Diagnostics, LLC DBA Color Health
Classification: Likely benign for Hereditary cancer-predisposing syndrome. Last evaluated: 2015-12-08. Review status: criteria provided, single submitter. Criteria: ACMG Guidelines, 2015. Collection method: clinical testing. Allele origin: germline.

GeneDx
Classification: Benign. Last evaluated: 2015-09-21. Review status: criteria provided, single submitter. Criteria: GeneDx Variant Classification (06012015). Collection method: clinical testing. Allele origin: germline. Affected: yes.
Comment: This variant is considered likely benign or benign based on one or more of the following criteria: it is a conservative change, it occurs at a poorly conserved position in the protein, it is predicted to be benign by multiple in silico algorithms, and/or has population frequency not consistent with disease.

NM_000051.4(ATM):c.2967T>C (p.Thr989=)

Gene: ATM (ATM serine/threonine kinase; plus strand). Cytogenetic location: 11q22.3.
Variant type: single nucleotide variant.
Coding change: c.2967T>C on transcript NM_000051.4 (MANE Select); coding-DNA position 2967, T replaced by C.
Protein change: p.Thr989=; no amino-acid change (threonine 989 retained).
Molecular consequence: synonymous variant.
Genome position (GRCh38, 1-based): chr11:108,271,296, T>C. VCF-style: chr11-108271296-T-C. GRCh37 (hg19) VCF-style: chr11-108142023-T-C.
Other names: c.2967T>C, p.Thr989= (NM_001351834.2).
Identifiers: ClinVar variation 377509 (VCV000377509.20), dbSNP rs144145128, ClinGen allele CA6265166.